The following is an entry in ClinVar:

ClinVar aggregate classification (germline): Uncertain significance. Review status: criteria provided, multiple submitters, no conflicts (2 of 4 stars). 5 submissions from 5 submitters: Uncertain significance (5). Last evaluated 2025-11-01.

Conditions:
Dilated cardiomyopathy 1JJ (CMD1JJ). Identifiers: Orphanet 154, MedGen C3808935, MONDO:0014095, OMIM 615235.
Cardiovascular phenotype. Identifiers: MedGen CN230736.

Allele frequency attached by ClinVar (database versions not stated): gnomAD 0.00001; ExAC 0.00002; gnomAD exomes 0.00004; TOPMed 0.00005; ESP Exome Variant Server 0.00008.
gnomAD v4.1: 30 of 1,613,956 alleles (0.0019%); highest among the groups gnomAD compares: South Asian, 0.0055%; no homozygotes.

Submissions (5):

Labcorp Genetics (formerly Invitae), Labcorp
Classification: Uncertain significance for Dilated cardiomyopathy 1JJ. Last evaluated: 2025-11-01. Review status: criteria provided, single submitter. Criteria: Invitae Variant Classification Sherloc (09022015). Collection method: clinical testing. Allele origin: germline.
Comment: This sequence change replaces glycine, which is neutral and non-polar, with arginine, which is basic and polar, at codon 253 of the LAMA4 protein (p.Gly253Arg). This variant is present in population databases (rs377633183, gnomAD 0.01%). This variant has not been reported in the literature in individuals affected with LAMA4-related conditions. ClinVar contains an entry for this variant (Variation ID: 1197600). An algorithm developed to predict the effect of missense changes on protein structure and function (PolyPhen-2) suggests that this variant is likely to be disruptive. In summary, the available evidence is currently insufficient to determine the role of this variant in disease. Therefore, it has been classified as a Variant of Uncertain Significance.

Ambry Genetics
Classification: Uncertain significance for Cardiovascular phenotype. Last evaluated: 2024-05-30. Review status: criteria provided, single submitter. Criteria: Ambry Variant Classification Scheme 2023. Collection method: clinical testing. Allele origin: germline.
Comment: The p.G253R variant (also known as c.757G>A), located in coding exon 6 of the LAMA4 gene, results from a G to A substitution at nucleotide position 757. The glycine at codon 253 is replaced by arginine, an amino acid with dissimilar properties. This amino acid position is highly conserved in available vertebrate species. In addition, this alteration is predicted to be deleterious by in silico analysis. The evidence for this gene-disease relationship is limited; therefore, the clinical significance of this alteration is unclear.

Clinical Genomics Laboratory, Stanford Medicine
Classification: Uncertain significance. Last evaluated: 2023-07-18. Review status: criteria provided, single submitter. Criteria: ACMG Guidelines, 2015. Collection method: clinical testing. Allele origin: germline. Observed: 1 variant allele, 1 heterozygote.
Comment: The p.Gly253Arg variant in the LAMA4 gene has not been previously reported in association with disease. This variant has been identified in 4/30,614 South Asian chromosomes (11/282,680 chromosomes overall) by the Genome Aggregation Database. This variant is present in ClinVar (Variation ID: 1197600). The glycine at position 253 is strongly evolutionarily conserved. Computational tools predict that the p.Gly253Arg variant is deleterious; however, the accuracy of in silico algorithms is limited.These data were assessed using the ACMG/AMP variant interpretation guidelines. In summary, the significance of the p.Gly253Arg variant is uncertain. Additional information is needed to resolve the significance of this variant. [ACMG evidence codes used: PM2; PP3

Fulgent Genetics
Classification: Uncertain significance for Dilated cardiomyopathy 1JJ. Last evaluated: 2021-10-18. Review status: criteria provided, single submitter. Criteria: ACMG Guidelines, 2015. Collection method: clinical testing. Allele origin: unknown.

GeneDx
Classification: Uncertain significance. Last evaluated: 2019-09-16. Review status: criteria provided, single submitter. Criteria: GeneDx Variant Classification Process June 2021. Collection method: clinical testing. Allele origin: germline. Affected: yes.
Comment: Has not been previously published as pathogenic or benign to our knowledge; In silico analysis, which includes protein predictors and evolutionary conservation, supports a deleterious effect

NM_001105206.3(LAMA4):c.757G>A (p.Gly253Arg)

Gene: LAMA4 (laminin subunit alpha 4; minus strand). Cytogenetic location: 6q21.
Variant type: single nucleotide variant.
Coding change: c.757G>A on transcript NM_001105206.3 (MANE Select); coding-DNA position 757, G replaced by A.
Protein change: p.Gly253Arg; replaces glycine 253 with arginine.
Molecular consequence: missense variant.
Genome position (GRCh38, 1-based): chr6:112,189,167, C>T on the plus strand (G>A on the coding strand, the complement: LAMA4 is on the minus strand). VCF-style: chr6-112189167-C-T. GRCh37 (hg19) VCF-style: chr6-112510369-C-T.
Other names: c.757G>A, p.Gly253Arg (NM_001105207.3, NM_002290.5); short protein forms G253R.
Identifiers: ClinVar variation 1197600 (VCV001197600.13), dbSNP rs377633183, ClinGen allele CA3966050.
Genomic context (GRCh38, chr6:112,189,167, plus strand): 5'-TACTTATGGTTGGGCAGTCCATGCCTGTAGGGGGTTCAAAACCTTCTTCCAAGCATTCTC[C>T]GGTTACACTGTCACATGGGCCTCCCCCGCAGTTGCACACTGTGGGAAACAAAAACAAGAG-3'
Protein context (NP_001098676.2, residues 243-263): CGGGPCDSVT[Gly253Arg]ECLEEGFEPP